The following is an entry in ClinVar:

NM_013432.5(TONSL):c.3191G>A (p.Arg1064Gln)

Gene: TONSL (tonsoku like, DNA repair protein; minus strand). Cytogenetic location: 8q24.3.
Variant type: single nucleotide variant.
Coding change: c.3191G>A on transcript NM_013432.5 (MANE Select); coding-DNA position 3191, G replaced by A.
Protein change: p.Arg1064Gln; replaces arginine 1064 with glutamine.
Molecular consequence: missense variant.
Genome position (GRCh38, 1-based): chr8:144,434,174, C>T on the plus strand (G>A on the coding strand, the complement: TONSL is on the minus strand). VCF-style: chr8-144434174-C-T. GRCh37 (hg19) VCF-style: chr8-145659557-C-T.
Other names: c.3191G>A (NM_013432.4); short protein forms R1064Q.
Identifiers: ClinVar variation 1043998 (VCV001043998.3), dbSNP rs547280505, ClinGen allele CA4942573.

ClinVar aggregate classification (germline): Uncertain significance. Review status: criteria provided, multiple submitters, no conflicts (2 of 4 stars). 2 submissions from 2 submitters: Uncertain significance (2). Last evaluated 2025-02-01.

Conditions:
Inborn genetic diseases. Identifiers: MedGen C0950123, MeSH D030342.

Allele frequency attached by ClinVar (database versions not stated): gnomAD below 0.00001 and 0.00001; TOPMed 0.00001; ExAC 0.00002; gnomAD exomes 0.00002 and 0.00003; 1000 Genomes Project 30x 0.00016; 1000 Genomes Project 0.00020.
gnomAD v4.1: 33 of 1,607,002 alleles (0.0021%); highest among the groups gnomAD compares: South Asian, 0.014%; no homozygotes.

Submissions (2):

Ambry Genetics
Classification: Uncertain significance for Inborn genetic diseases. Last evaluated: 2025-02-01. Review status: criteria provided, single submitter. Criteria: Ambry Variant Classification Scheme 2023. Collection method: clinical testing. Allele origin: germline.

Labcorp Genetics (formerly Invitae), Labcorp
Classification: Uncertain significance. Last evaluated: 2022-08-23. Review status: criteria provided, single submitter. Criteria: Invitae Variant Classification Sherloc (09022015). Collection method: clinical testing. Allele origin: germline.
Comment: This sequence change replaces arginine, which is basic and polar, with glutamine, which is neutral and polar, at codon 1064 of the TONSL protein (p.Arg1064Gln). This variant is present in population databases (rs547280505, gnomAD 0.007%). This variant has not been reported in the literature in individuals affected with TONSL-related conditions. ClinVar contains an entry for this variant (Variation ID: 1043998). Algorithms developed to predict the effect of missense changes on protein structure and function are either unavailable or do not agree on the potential impact of this missense change (SIFT: "Deleterious"; PolyPhen-2: "Possibly Damaging"; Align-GVGD: "Class C0"). Algorithms developed to predict the effect of sequence changes on RNA splicing suggest that this variant may create or strengthen a splice site. In summary, the available evidence is currently insufficient to determine the role of this variant in disease. Therefore, it has been classified as a Variant of Uncertain Significance.